The following is an entry in ClinVar:

NM_005120.3(MED12):c.6336_6362dup (p.Gln2123_Ala2124insGlnHisGlnGlnGlnGlnGlnGlnGln)

Gene: MED12 (mediator complex subunit 12; plus strand). Cytogenetic location: Xq13.1.
Variant type: Duplication.
Coding change: c.6336_6362dup on transcript NM_005120.3 (MANE Select); coding-DNA positions 6336 to 6362, 27 bases duplicated (ACAACAGCAACACCAGCAGCAACAGCA).
Protein change: p.Gln2123_Ala2124insGlnHisGlnGlnGlnGlnGlnGlnGln.
Molecular consequence: inframe insertion.
Genome position (GRCh38, 1-based): chrX:71,141,298-71,141,324, ACAACAGCAACACCAGCAGCAACAGCA duplicated; duplicating any 27 consecutive bases within chrX:71,141,284-71,141,324 gives the same sequence; the c. name uses the placement nearest the transcript's 3' end. VCF-style (leftmost placement, unchanged base first): chrX-71141283-G-GCAGCAGCAACAGCAACAACAGCAACAC. GRCh37 (hg19) VCF-style: chrX-70361133-G-GCAGCAGCAACAGCAACAACAGCAACAC.
Identifiers: ClinVar variation 2776658 (VCV002776658.3), dbSNP rs1353930135, ClinGen allele CA2739273573.
Genomic context (GRCh38, chrX:71,141,283, plus strand): 5'-CTTATAGCAGCAGCAGCAACAGCAACAGCAGCAGCAGCAGCAGCAGCAACAGCAACAGCA[G>GCAGCAGCAACAGCAACAACAGCAACAC]CAGCAGCAACAGCAACAACAGCAACACCAGCAGCAACAGCAGCAACAGGCGGCTCCTCCC-3'

ClinVar aggregate classification (germline): Uncertain significance (1 of 4 stars; one submission).

Conditions:
FG syndrome (FGS). Identifiers: MedGen C0220769, MONDO:0002010.

Submission:

Labcorp Genetics (formerly Invitae), Labcorp
Classification: Uncertain significance for FG syndrome. Last evaluated: 2023-05-23. Review status: criteria provided, single submitter. Criteria: Invitae Variant Classification Sherloc (09022015). Collection method: clinical testing. Allele origin: germline.
Comment: In summary, the available evidence is currently insufficient to determine the role of this variant in disease. Therefore, it has been classified as a Variant of Uncertain Significance. This variant, c.6336_6362dup, results in the insertion of 9 amino acid(s) of the MED12 protein (p.Gln2115_Gln2123dup), but otherwise preserves the integrity of the reading frame. This variant is not present in population databases (gnomAD no frequency). This variant has not been reported in the literature in individuals affected with MED12-related conditions.